The following is an entry in ClinVar:

ClinVar aggregate classification (germline): Pathogenic (1 of 4 stars; one submission).

Conditions:
MPI-congenital disorder of glycosylation. Also called: MPI DEFICIENCY; MANNOSEPHOSPHATE ISOMERASE DEFICIENCY; PROTEIN-LOSING ENTEROPATHY-HEPATIC FIBROSIS SYNDROME; MPI-CDG; CONGENITAL DISORDER OF GLYCOSYLATION, TYPE Ib; CDG Ib. Identifiers: Orphanet 79319, MedGen C1865145, MONDO:0011257, OMIM 602579.

Submission:

Labcorp Genetics (formerly Invitae), Labcorp
Classification: Pathogenic for MPI-congenital disorder of glycosylation. Last evaluated: 2023-10-29. Review status: criteria provided, single submitter. Criteria: Invitae Variant Classification Sherloc (09022015). Collection method: clinical testing. Allele origin: germline.
Comment: This sequence change creates a premature translational stop signal (p.Gly22Valfs*50) in the MPI gene. It is expected to result in an absent or disrupted protein product. Loss-of-function variants in MPI are known to be pathogenic (PMID: 19862844). This variant is not present in population databases (gnomAD no frequency). This variant has not been reported in the literature in individuals affected with MPI-related conditions. For these reasons, this variant has been classified as Pathogenic.

Literature cited by the submitters: PubMed 19862844.

NM_002435.3(MPI):c.65del (p.Gly22fs)

Gene: MPI (mannose phosphate isomerase; plus strand). Cytogenetic location: 15q24.1.
Variant type: Deletion.
Coding change: c.65del on transcript NM_002435.3 (MANE Select); coding-DNA position 65, one base deleted (G; older notation c.65delG).
Protein change: p.Gly22fs; shifts the reading frame from glycine 22.
Molecular consequence: frameshift variant. On other transcripts: initiator codon variant (1), intron variant (1).
Genome position (GRCh38, 1-based): chr15:74,890,575, G deleted; the last of 3 consecutive G bases (chr15:74,890,573-74,890,575); deleting any one gives the same sequence. VCF-style (leftmost placement, unchanged base first): chr15-74890572-TG-T. GRCh37 (hg19) VCF-style: chr15-75182913-TG-T.
Other names: c.65del, p.Gly22fs (NM_001289155.2, NM_001289157.2); c.5del, p.Gly2fs (NM_001330372.2); c.-7+486del (NM_001289156.2); short protein forms G22fs, G2fs.
Identifiers: ClinVar variation 2772652 (VCV002772652.3), dbSNP rs2505811246, ClinGen allele CA2697549214.